The following is an entry in ClinVar:

NM_000090.4(COL3A1):c.3966_3972delinsTT (p.Glu1322fs)

Gene: COL3A1 (collagen type III alpha 1 chain; plus strand). Cytogenetic location: 2q32.2.
Variant type: Indel.
Coding change: c.3966_3972delinsTT on transcript NM_000090.4 (MANE Select); coding-DNA positions 3966 to 3972, GAAGAAA replaced by TT.
Protein change: p.Glu1322fs; shifts the reading frame from glutamic acid 1322.
Molecular consequence: frameshift variant.
Genome position (GRCh38, 1-based): chr2:189,010,320-189,010,326, GAAGAAA replaced by TT. VCF-style: chr2-189010320-GAAGAAA-TT. GRCh37 (hg19) VCF-style: chr2-189875046-GAAGAAA-TT.
Other names: c.3966_3972delGAAGAAAinsTT (NM_000090.3); short protein forms E1322fs.
Identifiers: ClinVar variation 519602 (VCV000519602.5), dbSNP rs1553509869, ClinGen allele CA658796127.

ClinVar aggregate classification (germline): Pathogenic (1 of 4 stars; one submission).

Conditions:
Familial thoracic aortic aneurysm and aortic dissection (TAAD). Also called: Thoracic aortic aneurysms and dissections. Identifiers: Orphanet 91387, MedGen C4707243, MONDO:0019625.

Submission:

Ambry Genetics
Classification: Pathogenic for Familial thoracic aortic aneurysm and aortic dissection. Last evaluated: 2018-11-05. Review status: criteria provided, single submitter. Criteria: Ambry Variant Classification Scheme 2023. Collection method: clinical testing. Allele origin: germline.
Comment: The c.3966_3972delGAAGAAAinsTT pathogenic mutation, located in coding exon 49 of the COL3A1 gene, results from the deletion of 7 nucleotides and insertion of two nucleotides causing a translational frameshift with a predicted alternate stop codon (p.E1322Dfs*16). This alteration is expected to result in loss of function by premature protein truncation or nonsense-mediated mRNA decay. As such, this alteration is interpreted as a disease-causing mutation.